The following is an entry in ClinVar:

ClinVar aggregate classification (germline): Uncertain significance (1 of 4 stars; one submission).

Conditions:
Inborn genetic diseases. Identifiers: MedGen C0950123, MeSH D030342.

Submission:

Ambry Genetics
Classification: Uncertain significance for Inborn genetic diseases. Last evaluated: 2025-10-22. Review status: criteria provided, single submitter. Criteria: Ambry Variant Classification Scheme 2023. Collection method: clinical testing. Allele origin: germline.
Comment: The p.P1237H variant (also known as c.3710C>A), located in coding exon 33 of the RTEL1 gene, results from a C to A substitution at nucleotide position 3710. The proline at codon 1237 is replaced by histidine, an amino acid with similar properties. This amino acid position is conserved. In addition, the in silico prediction for this alteration is inconclusive. Based on the available evidence, the clinical significance of this variant remains unclear.

NM_001283009.2(RTEL1):c.3710C>A (p.Pro1237His)

Genes: RTEL1 (regulator of telomere elongation helicase 1; plus strand), RTEL1-TNFRSF6B (RTEL1-TNFRSF6B readthrough (NMD candidate); plus strand). Cytogenetic location: 20q13.33.
Variant type: single nucleotide variant.
Coding change: c.3710C>A on transcript NM_001283009.2 (MANE Select); coding-DNA position 3710, C replaced by A.
Protein change: p.Pro1237His; replaces proline 1237 with histidine.
Molecular consequence: missense variant. On other transcripts: non-coding transcript variant (1), intron variant (3).
Genome position (GRCh38, 1-based): chr20:63,695,538, C>A. VCF-style: chr20-63695538-C-A. GRCh37 (hg19) VCF-style: chr20-62326891-C-A.
Other names: c.2983+58C>A (NM_001283010.1); c.3724+58C>A (NM_032957.5); c.3652+58C>A (NM_016434.4); short protein forms P1237H.
Identifiers: ClinVar variation 4629555 (VCV004629555.1).